The following is an entry in ClinVar:

NM_001040108.2(MLH3):c.1832A>G (p.His611Arg)

Gene: MLH3 (mutL homolog 3; minus strand). Cytogenetic location: 14q24.3.
Variant type: single nucleotide variant.
Coding change: c.1832A>G on transcript NM_001040108.2 (MANE Select); coding-DNA position 1832, A replaced by G.
Protein change: p.His611Arg; replaces histidine 611 with arginine.
Molecular consequence: missense variant.
Genome position (GRCh38, 1-based): chr14:75,047,824, T>C on the plus strand (A>G on the coding strand, the complement: MLH3 is on the minus strand). VCF-style: chr14-75047824-T-C. GRCh37 (hg19) VCF-style: chr14-75514527-T-C.
Other names: c.1832A>G, p.His611Arg (NM_014381.3); short protein forms H611R.
Identifiers: ClinVar variation 5024550 (VCV005024550.1).

ClinVar aggregate classification (germline): Uncertain significance (1 of 4 stars; one submission).

Submission:

Ambry Genetics
Classification: Uncertain significance. Last evaluated: 2026-07-25. Review status: criteria provided, single submitter. Criteria: Ambry Variant Classification Scheme 2023. Collection method: clinical testing. Allele origin: germline.
Comment: The p.H611R variant (also known as c.1832A>G), located in coding exon 1 of the MLH3 gene, results from an A to G substitution at nucleotide position 1832. The histidine at codon 611 is replaced by arginine, an amino acid with highly similar properties. This amino acid position is conserved. In addition, this alteration is predicted to be tolerated by in silico analysis. Based on the available evidence, the clinical significance of this variant remains unclear.